The following is an entry in ClinVar:

NM_015335.5(MED13L):c.5503G>A (p.Asp1835Asn)

Gene: MED13L (mediator complex subunit 13L; minus strand). Cytogenetic location: 12q24.21.
Variant type: single nucleotide variant.
Coding change: c.5503G>A on transcript NM_015335.5 (MANE Select); coding-DNA position 5503, G replaced by A.
Protein change: p.Asp1835Asn; replaces aspartic acid 1835 with asparagine.
Molecular consequence: missense variant.
Genome position (GRCh38, 1-based): chr12:115,975,600, C>T on the plus strand (G>A on the coding strand, the complement: MED13L is on the minus strand). VCF-style: chr12-115975600-C-T. GRCh37 (hg19) VCF-style: chr12-116413405-C-T.
Other names: c.5503G>A (NM_015335.4); short protein forms D1835N.
Identifiers: ClinVar variation 4526280 (VCV004526280.2).

ClinVar aggregate classification (germline): Uncertain significance. Review status: criteria provided, multiple submitters, no conflicts (2 of 4 stars). 2 submissions from 2 submitters: Uncertain significance (2). Last evaluated 2026-06-22.

Conditions:
Inborn genetic diseases. Identifiers: MedGen C0950123, MeSH D030342.

gnomAD v4.1: 7 of 1,614,016 alleles (0.00043%); highest among the groups gnomAD compares: South Asian, 0.0022%; no homozygotes.

Submissions (2):

Ambry Genetics
Classification: Uncertain significance for Inborn genetic diseases. Last evaluated: 2026-06-22. Review status: criteria provided, single submitter. Criteria: Ambry Variant Classification Scheme 2023. Collection method: clinical testing. Allele origin: germline.
Comment: The c.5503G>A (p.D1835N) alteration is located in exon 24 (coding exon 24) of the MED13L gene. This alteration results from a G to A substitution at nucleotide position 5503, causing the aspartic acid (D) at amino acid position 1835 to be replaced by an asparagine (N). Based on data from gnomAD, the A allele has an overall frequency of <0.001% (1/251104) total alleles studied. The highest observed frequency was 0.001% (1/113456) of European (non-Finnish) alleles. Based on insufficient or conflicting evidence, the clinical significance of this alteration remains unclear.

Women's Health and Genetics/Laboratory Corporation of America, LabCorp
Classification: Uncertain significance. Last evaluated: 2025-07-22. Review status: criteria provided, single submitter. Criteria: LabCorp Variant Classification Summary - May 2015. Collection method: clinical testing. Allele origin: germline.
Comment: Variant summary: MED13L c.5503G>A (p.Asp1835Asn) results in a conservative amino acid change in the encoded protein sequence. Algorithms developed to predict the effect of missense changes on protein structure and function are either unavailable or do not agree on the potential impact of this missense change. The variant allele was found at a frequency of 4e-06 in 251104 control chromosomes. The available data on variant occurrences in the general population are insufficient to allow any conclusion about variant significance. To our knowledge, no occurrence of c.5503G>A in individuals affected with Intellectual Disability And Distinctive Facial Features With Or Without Cardiac Defects and no experimental evidence demonstrating its impact on protein function have been reported. No submitters have cited clinical-significance assessments for this variant to ClinVar. Based on the evidence outlined above, the variant was classified as uncertain significance.